The following is an entry in ClinVar:

NM_015215.4(CAMTA1):c.1346G>A (p.Ser449Asn)

Gene: CAMTA1 (calmodulin binding transcription activator 1; plus strand). Cytogenetic location: 1p36.23.
Variant type: single nucleotide variant.
Coding change: c.1346G>A on transcript NM_015215.4 (MANE Select); coding-DNA position 1346, G replaced by A.
Protein change: p.Ser449Asn; replaces serine 449 with asparagine.
Molecular consequence: missense variant.
Genome position (GRCh38, 1-based): chr1:7,663,893, G>A. VCF-style: chr1-7663893-G-A. GRCh37 (hg19) VCF-style: chr1-7723953-G-A.
Other names: c.1256G>A, p.Ser419Asn (NM_001349608.2, NM_001349612.2); c.1346G>A, p.Ser449Asn (NM_001349609.2, NM_001349610.2, NM_001410737.1); c.1274G>A, p.Ser425Asn (NM_001410738.1); short protein forms S419N, S425N, S449N.
Identifiers: ClinVar variation 4819974 (VCV004819974.1).

ClinVar aggregate classification (germline): Likely benign (1 of 4 stars; one submission).

Conditions:
Cerebellar dysfunction with variable cognitive and behavioral abnormalities (CECBA). Also called: Nonprogressive cerebellar atxia with intellectual disability. Identifiers: Orphanet 314647, MedGen C3553661, MONDO:0013886, OMIM 614756.

Submission:

Centre for Medical Genetics,  Mumbai
Classification: Likely benign for Cerebellar dysfunction with variable cognitive and behavioral abnormalities. Last evaluated: 2026-03-19. Review status: criteria provided, single submitter. Criteria: ACMG Guidelines, 2015. Collection method: provider interpretation. Allele origin: germline. Inheritance: Autosomal dominant inheritance. Affected: no. Observed: 1 variant allele, 1 heterozygote.
Comment: The variant satisfies PM2 criteria; Extremely low frequency in gnomAD population databases. The variant satisfies PP2 criteria; Missense variant in a gene with low rate of benign missense mutations and for which missense mutation is a common mechanism of a disease. The variant satisfies BP4 criteria; For a missense or a splice region variant, computational prediction tools unanimously support a benign effect on the gene. However, the variant satisfies BS2 criteria.

Literature cited by the submitters: PubMed 22693284.